The following is an entry in ClinVar:

ClinVar aggregate classification (germline): Uncertain significance (1 of 4 stars; one submission).

Allele frequency attached by ClinVar (database versions not stated): gnomAD exomes 0.00001; TOPMed 0.00001; ExAC 0.00006.
gnomAD v4.1: 20 of 1,601,626 alleles (0.0012%); highest among the groups gnomAD compares: Middle Eastern, 0.033%; no homozygotes.

Submission:

Labcorp Genetics (formerly Invitae), Labcorp
Classification: Uncertain significance. Last evaluated: 2022-04-12. Review status: criteria provided, single submitter. Criteria: Invitae Variant Classification Sherloc (09022015). Collection method: clinical testing. Allele origin: germline.
Comment: This sequence change replaces leucine, which is neutral and non-polar, with arginine, which is basic and polar, at codon 823 of the GPR179 protein (p.Leu823Arg). This variant is present in population databases (rs780969832, gnomAD 0.01%). In summary, the available evidence is currently insufficient to determine the role of this variant in disease. Therefore, it has been classified as a Variant of Uncertain Significance. Algorithms developed to predict the effect of missense changes on protein structure and function are either unavailable or do not agree on the potential impact of this missense change (SIFT: "Deleterious"; PolyPhen-2: "Probably Damaging"; Align-GVGD: "Class C0"). This variant has not been reported in the literature in individuals affected with GPR179-related conditions.

NM_001004334.4(GPR179):c.2468T>G (p.Leu823Arg)

Gene: GPR179 (G protein-coupled receptor 179; minus strand). Cytogenetic location: 17q12.
Variant type: single nucleotide variant.
Coding change: c.2468T>G on transcript NM_001004334.4 (MANE Select); coding-DNA position 2468, T replaced by G.
Protein change: p.Leu823Arg; replaces leucine 823 with arginine.
Molecular consequence: missense variant.
Genome position (GRCh38, 1-based): chr17:38,331,101, A>C on the plus strand (T>G on the coding strand, the complement: GPR179 is on the minus strand). VCF-style: chr17-38331101-A-C. GRCh37 (hg19) VCF-style: chr17-36486984-A-C.
Other names: short protein forms L823R.
Identifiers: ClinVar variation 1953385 (VCV001953385.5), dbSNP rs780969832, ClinGen allele CA290105806.